The following is an entry in ClinVar:

NM_001715.3(BLK):c.*444C>A

Gene: BLK (BLK proto-oncogene, Src family tyrosine kinase). Cytogenetic location: 8p23.1.
Variant type: single nucleotide variant.
Coding change: c.*444C>A on transcript NM_001715.3 (MANE Select); 444 bases downstream of the stop codon, C replaced by A.
Molecular consequence: 3 prime UTR variant.
Genome position (GRCh38, 1-based): chr8:11,564,552, C>A. VCF-style: chr8-11564552-C-A. GRCh37 (hg19) VCF-style: chr8-11422061-C-A.
Other names: c.*444C>A (NM_001330465.2).
Identifiers: ClinVar variation 361507 (VCV000361507.5), dbSNP rs376203568, ClinGen allele CA4630567.

ClinVar aggregate classification (germline): Benign (1 of 4 stars; one submission).

Conditions:
Maturity-onset diabetes of the young type 11. Identifiers: Orphanet 552, MedGen C3150618, MONDO:0013242, OMIM 613375.

Allele frequency attached by ClinVar (database versions not stated): gnomAD exomes 0.00022 and 0.00044; ExAC 0.00033; gnomAD 0.00033 and 0.00034; TOPMed 0.00042; 1000 Genomes Project 30x 0.00047.
gnomAD v4.1: 129 of 459,010 alleles (0.028%); highest among the groups gnomAD compares: East Asian, 0.49%; 1 homozygote.

Submission:

Illumina Laboratory Services, Illumina
Classification: Benign for Maturity-onset diabetes of the young type 11. Last evaluated: 2018-01-13. Review status: criteria provided, single submitter. Criteria: ICSL Variant Classification Criteria 13 December 2019. Collection method: clinical testing. Allele origin: germline.
Comment: This variant was observed in the ICSL laboratory as part of a predisposition screen in an ostensibly healthy population. It had not been previously curated by ICSL or reported in the Human Gene Mutation Database (HGMD: prior to June 1st, 2018), and was therefore a candidate for classification through an automated scoring system. Utilizing variant allele frequency, disease prevalence and penetrance estimates, and inheritance mode, an automated score was calculated to assess if this variant is too frequent to cause the disease. Based on the score and internal cut-off values, a variant classified as benign is not then subjected to further curation. The score for this variant resulted in a classification of benign for this disease.